The following is an entry in ClinVar:

NM_080473.5(GATA5):c.378C>G (p.Phe126Leu)

Gene: GATA5 (GATA binding protein 5; minus strand). Cytogenetic location: 20q13.33.
Variant type: single nucleotide variant.
Coding change: c.378C>G on transcript NM_080473.5 (MANE Select); coding-DNA position 378, C replaced by G.
Protein change: p.Phe126Leu; replaces phenylalanine 126 with leucine.
Molecular consequence: missense variant.
Genome position (GRCh38, 1-based): chr20:62,475,144, G>C on the plus strand (C>G on the coding strand, the complement: GATA5 is on the minus strand). VCF-style: chr20-62475144-G-C. GRCh37 (hg19) VCF-style: chr20-61050200-G-C.
Other names: c.378C>G (NM_080473.4); short protein forms F126L.
Identifiers: ClinVar variation 3606965 (VCV003606965.3).

ClinVar aggregate classification (germline): Uncertain significance. Review status: criteria provided, multiple submitters, no conflicts (2 of 4 stars). 2 submissions from 2 submitters: Uncertain significance (2). Last evaluated 2025-01-22.

gnomAD v4.1: 4 of 1,357,130 alleles (0.00029%); highest among the groups gnomAD compares: African/African-American, 0.0031%; no homozygotes.

Submissions (2):

Ambry Genetics
Classification: Uncertain significance. Last evaluated: 2025-01-22. Review status: criteria provided, single submitter. Criteria: Ambry Variant Classification Scheme 2023. Collection method: clinical testing. Allele origin: germline.

Labcorp Genetics (formerly Invitae), Labcorp
Classification: Uncertain significance. Last evaluated: 2024-12-20. Review status: criteria provided, single submitter. Criteria: Invitae Variant Classification Sherloc (09022015). Collection method: clinical testing. Allele origin: germline.
Comment: This sequence change replaces phenylalanine, which is neutral and non-polar, with leucine, which is neutral and non-polar, at codon 126 of the GATA5 protein (p.Phe126Leu). The frequency data for this variant in the population databases is considered unreliable, as metrics indicate poor data quality at this position in the gnomAD database. This variant has not been reported in the literature in individuals affected with GATA5-related conditions. Invitae Evidence Modeling of protein sequence and biophysical properties (such as structural, functional, and spatial information, amino acid conservation, physicochemical variation, residue mobility, and thermodynamic stability) indicates that this missense variant is not expected to disrupt GATA5 protein function with a negative predictive value of 80%. In summary, the available evidence is currently insufficient to determine the role of this variant in disease. Therefore, it has been classified as a Variant of Uncertain Significance.